The following is an entry in ClinVar:

NM_015047.3(EMC1):c.835A>C (p.Thr279Pro)

Genes: EMC1 (ER membrane protein complex subunit 1; minus strand), EMC1-AS1 (EMC1 antisense RNA 1; plus strand). Cytogenetic location: 1p36.13.
Variant type: single nucleotide variant.
Coding change: c.835A>C on transcript NM_015047.3 (MANE Select); coding-DNA position 835, A replaced by C.
Protein change: p.Thr279Pro; replaces threonine 279 with proline.
Molecular consequence: missense variant.
Genome position (GRCh38, 1-based): chr1:19,239,937, T>G on the plus strand (A>C on the coding strand, the complement: EMC1 is on the minus strand). VCF-style: chr1-19239937-T-G. GRCh37 (hg19) VCF-style: chr1-19566431-T-G.
Other names: c.835A>C, p.Thr279Pro (NM_001271427.2, NM_001271428.2, NM_001375820.1 and 1 more transcripts); c.769A>C, p.Thr257Pro (NM_001271429.2); short protein forms T257P, T279P.
Identifiers: ClinVar variation 3343395 (VCV003343395.1).
Genomic context (GRCh38, chr1:19,239,937, plus strand): 5'-GGCTTGGGGACAAGTGCAGGAAGAACTGGGCCCGGGAAGCGTCCACTGGGTTGGGCTGGG[T>G]AGGCAGGACCCGGGGTTGGAATCCACTTCCAAATTCTAAGTCGAGAGACTGGAAGGCAAG-3'
Protein context (NP_055862.1, residues 269-289): GSGFQPRVLP[Thr279Pro]QPNPVDASRA

ClinVar aggregate classification (germline): Uncertain significance (1 of 4 stars; one submission).

Submission:

GeneDx
Classification: Uncertain significance. Last evaluated: 2023-05-09. Review status: criteria provided, single submitter. Criteria: GeneDx Variant Classification Process June 2021. Collection method: clinical testing. Allele origin: germline. Affected: yes.
Comment: Not observed at significant frequency in large population cohorts (gnomAD); In silico analysis supports that this missense variant does not alter protein structure/function; Has not been previously published as pathogenic or benign to our knowledge